The following is an entry in ClinVar:

ClinVar aggregate classification (germline): Benign/Likely benign. Review status: criteria provided, multiple submitters, no conflicts (2 of 4 stars). 2 submissions from 2 submitters: Benign (1); Likely benign (1). Last evaluated 2025-02-26.

Conditions:
Hereditary nonpolyposis colorectal neoplasms. Identifiers: MedGen C0009405, MeSH D003123.
Lynch syndrome 5 (LYNCH5). Also called: Colorectal cancer, hereditary nonpolyposis, type 5; Hereditary non-polyposis colorectal cancer, type 5. Identifiers: Orphanet 144, MedGen C1833477, MONDO:0013710, OMIM 614350. Disease mechanism: loss of function.

Submissions (2):

Labcorp Genetics (formerly Invitae), Labcorp
Classification: Likely benign for Hereditary nonpolyposis colorectal neoplasms. Last evaluated: 2025-02-26. Review status: criteria provided, single submitter. Criteria: Invitae Variant Classification Sherloc (09022015). Collection method: clinical testing. Allele origin: germline.

Myriad Genetics, Inc.
Classification: Benign for Lynch syndrome 5. Last evaluated: 2024-12-31. Review status: criteria provided, single submitter. Criteria: Myriad Autosomal Dominant, Autosomal Recessive and X-Linked Classification Criteria (2023). Collection method: clinical testing. Allele origin: unknown.
Comment: This variant is considered benign. This variant is a silent/synonymous amino acid change and it is not expected to impact splicing.

NM_000179.3(MSH6):c.2583T>A (p.Ala861=)

Gene: MSH6 (mutS homolog 6; plus strand). Cytogenetic location: 2p16.3.
Variant type: single nucleotide variant.
Coding change: c.2583T>A on transcript NM_000179.3 (MANE Select); coding-DNA position 2583, T replaced by A.
Protein change: p.Ala861=; no amino-acid change (alanine 861 retained).
Molecular consequence: synonymous variant.
Genome position (GRCh38, 1-based): chr2:47,800,566, T>A. VCF-style: chr2-47800566-T-A. GRCh37 (hg19) VCF-style: chr2-48027705-T-A.
Other names: c.2193T>A, p.Ala731= (NM_001281492.2); c.1677T>A, p.Ala559= (NM_001281493.2, NM_001281494.2).
Identifiers: ClinVar variation 416185 (VCV000416185.10), dbSNP rs1060504763, ClinGen allele CA16610939.